The following is an entry in ClinVar:

NM_024685.4(BBS10):c.952T>G (p.Leu318Val)

Gene: BBS10 (Bardet-Biedl syndrome 10; minus strand). Cytogenetic location: 12q21.2.
Variant type: single nucleotide variant.
Coding change: c.952T>G on transcript NM_024685.4 (MANE Select); coding-DNA position 952, T replaced by G.
Protein change: p.Leu318Val; replaces leucine 318 with valine.
Molecular consequence: missense variant.
Genome position (GRCh38, 1-based): chr12:76,347,033, A>C on the plus strand (T>G on the coding strand, the complement: BBS10 is on the minus strand). VCF-style: chr12-76347033-A-C. GRCh37 (hg19) VCF-style: chr12-76740813-A-C.
Other names: short protein forms L318V.
Identifiers: ClinVar variation 3351966 (VCV003351966.2).

ClinVar aggregate classification (germline): Uncertain significance. Review status: criteria provided, single submitter (1 of 4 stars). 2 submissions from 2 submitters: Uncertain significance (1). 1 of the submissions does not count toward it. Last evaluated 2022-10-26.

Conditions:
BBS10-related disorder. Also called: BBS10-related condition.

gnomAD v4.1: 34 of 1,612,862 alleles (0.0021%); highest among the groups gnomAD compares: Non-Finnish European, 0.0026%; no homozygotes.

Submissions (2):

Blueprint Genetics
Classification: Uncertain significance. Last evaluated: 2022-10-26. Review status: criteria provided, single submitter. Criteria: ACMG Guidelines, 2015. Collection method: clinical testing. Allele origin: germline.

PreventionGenetics, part of Exact Sciences
Classification: Uncertain significance for BBS10-related condition. Last evaluated: 2024-09-03. Review status: no assertion criteria provided. Collection method: clinical testing. Allele origin: germline. Not counted in ClinVar's aggregate classification.
Comment: The BBS10 c.952T>G variant is predicted to result in the amino acid substitution p.Leu318Val. To our knowledge, this variant has not been reported in the literature. This variant is reported in 0.011% of alleles in individuals of European (Non-Finnish) descent in gnomAD. At this time, the clinical significance of this variant is uncertain due to the absence of conclusive functional and genetic evidence.